The following is an entry in ClinVar:

NM_000260.4(MYO7A):c.3737G>T (p.Trp1246Leu)

Gene: MYO7A (myosin VIIA; plus strand). Cytogenetic location: 11q13.5.
Variant type: single nucleotide variant.
Coding change: c.3737G>T on transcript NM_000260.4 (MANE Select); coding-DNA position 3737, G replaced by T.
Protein change: p.Trp1246Leu; replaces tryptophan 1246 with leucine.
Molecular consequence: missense variant.
Genome position (GRCh38, 1-based): chr11:77,190,126, G>T. VCF-style: chr11-77190126-G-T. GRCh37 (hg19) VCF-style: chr11-76901171-G-T.
Other names: c.3737G>T, p.Trp1246Leu (NM_001127180.2); c.3704G>T, p.Trp1235Leu (NM_001369365.1); short protein forms W1235L, W1246L.
Identifiers: ClinVar variation 4056888 (VCV004056888.1).

ClinVar aggregate classification (germline): Uncertain significance (1 of 4 stars; one submission).

Submission:

GeneDx
Classification: Uncertain significance. Last evaluated: 2025-01-08. Review status: criteria provided, single submitter. Criteria: GeneDx Variant Classification Process June 2021. Collection method: clinical testing. Allele origin: germline. Affected: yes.
Comment: Not observed at significant frequency in large population cohorts (gnomAD); In silico analysis supports that this missense variant has a deleterious effect on protein structure/function; Has not been previously published as pathogenic or benign to our knowledge